The following is an entry in ClinVar:

ClinVar aggregate classification (germline): Uncertain significance (1 of 4 stars; one submission).

Conditions:
RYR1-related disorder. Also called: RYR1-related condition; RYR1-related disorders. Identifiers: MedGen CN239331.

gnomAD v4.1: 18 of 1,589,636 alleles (0.0011%); highest among the groups gnomAD compares: South Asian, 0.02%; no homozygotes.

Submission:

Labcorp Genetics (formerly Invitae), Labcorp
Classification: Uncertain significance for RYR1-related disorder. Last evaluated: 2025-09-10. Review status: criteria provided, single submitter. Criteria: Invitae Variant Classification Sherloc (09022015). Collection method: clinical testing. Allele origin: germline.
Comment: This sequence change falls in intron 64 of the RYR1 gene. It does not directly change the encoded amino acid sequence of the RYR1 protein. It affects a nucleotide within the consensus splice site. This variant is present in population databases (rs768702141, gnomAD 0.01%). This variant has not been reported in the literature in individuals affected with RYR1-related conditions. ClinVar contains an entry for this variant (Variation ID: 3606826). Variants that disrupt the consensus splice site are a relatively common cause of aberrant splicing (PMID: 17576681, 9536098). Algorithms developed to predict the effect of sequence changes on RNA splicing suggest that this variant is not likely to affect RNA splicing. In summary, the available evidence is currently insufficient to determine the role of this variant in disease. Therefore, it has been classified as a Variant of Uncertain Significance.

Literature cited by the submitters: PubMed 17576681; PubMed 9536098.

NM_000540.3(RYR1):c.9554+6G>A

Gene: RYR1 (ryanodine receptor 1; plus strand). Cytogenetic location: 19q13.2.
Variant type: single nucleotide variant.
Coding change: c.9554+6G>A on transcript NM_000540.3 (MANE Select); 6 bases into the intron after coding-DNA position 9554, G replaced by A.
Molecular consequence: intron variant.
Genome position (GRCh38, 1-based): chr19:38,515,113, G>A. VCF-style: chr19-38515113-G-A. GRCh37 (hg19) VCF-style: chr19-39005753-G-A.
Other names: c.9554+6G>A (NM_001042723.2).
Identifiers: ClinVar variation 3606826 (VCV003606826.2).